The following is an entry in ClinVar:

NM_000503.6(EYA1):c.718A>G (p.Met240Val)

Gene: EYA1 (EYA transcriptional coactivator and phosphatase 1; minus strand). Cytogenetic location: 8q13.3.
Variant type: single nucleotide variant.
Coding change: c.718A>G on transcript NM_000503.6 (MANE Select); coding-DNA position 718, A replaced by G.
Protein change: p.Met240Val; replaces methionine 240 with valine.
Molecular consequence: missense variant.
Genome position (GRCh38, 1-based): chr8:71,299,155, T>C on the plus strand (A>G on the coding strand, the complement: EYA1 is on the minus strand). VCF-style: chr8-71299155-T-C. GRCh37 (hg19) VCF-style: chr8-72211390-T-C.
Other names: c.700A>G, p.Met234Val (NM_001288574.2); c.352A>G, p.Met118Val (NM_001288575.2); c.805A>G, p.Met269Val (NM_001370333.1); c.718A>G, p.Met240Val (NM_001370334.1, NM_001370335.1, NM_172058.4); c.787A>G, p.Met263Val (NM_001370336.1); c.790A>G, p.Met264Val (NM_172059.5); short protein forms M118V, M234V, M269V, M240V, M263V, M264V.
Identifiers: ClinVar variation 1442043 (VCV001442043.9), dbSNP rs771549701, ClinGen allele CA4779680.

ClinVar aggregate classification (germline): Uncertain significance (1 of 4 stars; one submission).

Conditions:
Melnick-Fraser syndrome (BOR). Also called: Branchio-oto-renal syndrome; Branchiootorenal syndrome; Branchiootorenal Syndrome (BORS). Identifiers: Orphanet 107, MedGen C0265234, MONDO:0007029.

Allele frequency attached by ClinVar (database versions not stated): gnomAD exomes below 0.00001 and 0.00002; TOPMed below 0.00001; ExAC 0.00001.
gnomAD v4.1: 4 of 1,614,174 alleles (0.00025%); highest among the groups gnomAD compares: Admixed American, 0.005%; no homozygotes.

Submission:

Labcorp Genetics (formerly Invitae), Labcorp
Classification: Uncertain significance for Melnick-Fraser syndrome. Last evaluated: 2023-10-13. Review status: criteria provided, single submitter. Criteria: Invitae Variant Classification Sherloc (09022015). Collection method: clinical testing. Allele origin: germline.
Comment: This sequence change replaces methionine, which is neutral and non-polar, with valine, which is neutral and non-polar, at codon 240 of the EYA1 protein (p.Met240Val). This variant is present in population databases (rs771549701, gnomAD 0.01%). This variant has not been reported in the literature in individuals affected with EYA1-related conditions. ClinVar contains an entry for this variant (Variation ID: 1442043). Advanced modeling of protein sequence and biophysical properties (such as structural, functional, and spatial information, amino acid conservation, physicochemical variation, residue mobility, and thermodynamic stability) has been performed at Invitae for this missense variant, however the output from this modeling did not meet the statistical confidence thresholds required to predict the impact of this variant on EYA1 protein function. In summary, the available evidence is currently insufficient to determine the role of this variant in disease. Therefore, it has been classified as a Variant of Uncertain Significance.